The following is an entry in ClinVar:

NM_000562.3(C8A):c.1406G>A (p.Arg469Gln)

Gene: C8A (complement C8 alpha chain; plus strand). Cytogenetic location: 1p32.2.
Variant type: single nucleotide variant.
Coding change: c.1406G>A on transcript NM_000562.3 (MANE Select); coding-DNA position 1406, G replaced by A.
Protein change: p.Arg469Gln; replaces arginine 469 with glutamine.
Molecular consequence: missense variant.
Genome position (GRCh38, 1-based): chr1:56,912,428, G>A. VCF-style: chr1-56912428-G-A. GRCh37 (hg19) VCF-style: chr1-57378101-G-A.
Other names: short protein forms R469Q.
Identifiers: ClinVar variation 2078055 (VCV002078055.3), dbSNP rs777301484, ClinGen allele CA875379.

ClinVar aggregate classification (germline): Uncertain significance. Review status: criteria provided, multiple submitters, no conflicts (2 of 4 stars). 2 submissions from 2 submitters: Uncertain significance (2). Last evaluated 2025-02-08.

Allele frequency attached by ClinVar (database versions not stated): gnomAD 0.00001; TOPMed 0.00001; gnomAD exomes 0.00002; ExAC 0.00004.
gnomAD v4.1: 33 of 1,614,076 alleles (0.002%); highest among the groups gnomAD compares: South Asian, 0.018%; no homozygotes.

Submissions (2):

Ambry Genetics
Classification: Uncertain significance. Last evaluated: 2025-02-08. Review status: criteria provided, single submitter. Criteria: Ambry Variant Classification Scheme 2023. Collection method: clinical testing. Allele origin: germline.

Labcorp Genetics (formerly Invitae), Labcorp
Classification: Uncertain significance. Last evaluated: 2022-07-30. Review status: criteria provided, single submitter. Criteria: Invitae Variant Classification Sherloc (09022015). Collection method: clinical testing. Allele origin: germline.
Comment: This sequence change replaces arginine, which is basic and polar, with glutamine, which is neutral and polar, at codon 469 of the C8A protein (p.Arg469Gln). This variant is present in population databases (rs777301484, gnomAD 0.02%). This variant has not been reported in the literature in individuals affected with C8A-related conditions. Algorithms developed to predict the effect of missense changes on protein structure and function output the following: SIFT: "Tolerated"; PolyPhen-2: "Benign"; Align-GVGD: "Class C0". The glutamine amino acid residue is found in multiple mammalian species, which suggests that this missense change does not adversely affect protein function. In summary, the available evidence is currently insufficient to determine the role of this variant in disease. Therefore, it has been classified as a Variant of Uncertain Significance.